The following is an entry in ClinVar:

ClinVar aggregate classification (germline): Uncertain significance (1 of 4 stars; one submission).

Allele frequency attached by ClinVar (database versions not stated): gnomAD exomes below 0.00001; TOPMed below 0.00001; ExAC 0.00001; gnomAD 0.00001.
gnomAD v4.1: 3 of 1,209,573 alleles (0.00025%); highest among the groups gnomAD compares: Admixed American, 0.0022%; no homozygotes.

Submission:

GeneDx
Classification: Uncertain significance. Last evaluated: 2024-03-11. Review status: criteria provided, single submitter. Criteria: GeneDx Variant Classification Process June 2021. Collection method: clinical testing. Allele origin: germline. Affected: yes.
Comment: Not observed at significant frequency in large population cohorts (gnomAD); In silico analysis supports that this missense variant does not alter protein structure/function; Has not been previously published as pathogenic or benign to our knowledge

NM_001368397.1(FRMPD4):c.2988G>C (p.Glu996Asp)

Gene: FRMPD4 (FERM and PDZ domain containing 4; plus strand). Cytogenetic location: Xp22.2.
Variant type: single nucleotide variant.
Coding change: c.2988G>C on transcript NM_001368397.1 (MANE Select); coding-DNA position 2988, G replaced by C.
Protein change: p.Glu996Asp; replaces glutamic acid 996 with aspartic acid.
Molecular consequence: missense variant.
Genome position (GRCh38, 1-based): chrX:12,717,814, G>C. VCF-style: chrX-12717814-G-C. GRCh37 (hg19) VCF-style: chrX-12735933-G-C.
Other names: c.3099G>C, p.Glu1033Asp (NM_001368395.3, NM_001368398.3); c.2994G>C, p.Glu998Asp (NM_001368396.3); c.2979G>C, p.Glu993Asp (NM_001368399.3); c.2868G>C, p.Glu956Asp (NM_001368400.3); c.2964G>C, p.Glu988Asp (NM_001368401.1, NM_001368402.3); c.2988G>C, p.Glu996Asp (NM_014728.3); short protein forms E1033D, E956D, E988D, E993D, E996D, E998D.
Identifiers: ClinVar variation 3253008 (VCV003253008.1), dbSNP rs756766679.